The following is an entry in ClinVar:

NM_025114.4(CEP290):c.2491G>A (p.Glu831Lys)

Gene: CEP290 (centrosomal protein 290; minus strand). Cytogenetic location: 12q21.32.
Variant type: single nucleotide variant.
Coding change: c.2491G>A on transcript NM_025114.4 (MANE Select); coding-DNA position 2491, G replaced by A.
Protein change: p.Glu831Lys; replaces glutamic acid 831 with lysine.
Molecular consequence: missense variant.
Genome position (GRCh38, 1-based): chr12:88,107,091, C>T on the plus strand (G>A on the coding strand, the complement: CEP290 is on the minus strand). VCF-style: chr12-88107091-C-T. GRCh37 (hg19) VCF-style: chr12-88500868-C-T.
Other names: short protein forms E831K.
Identifiers: ClinVar variation 3346002 (VCV003346002.2).

ClinVar aggregate classification (germline): Uncertain significance. Review status: criteria provided, single submitter (1 of 4 stars). 2 submissions from 2 submitters: Uncertain significance (1). 1 of the submissions does not count toward it. Last evaluated 2024-06-17.

Conditions:
CEP290-related disorder. Also called: CEP290-related disorders; CEP290-related condition. Identifiers: MedGen CN239314.
Leber congenital amaurosis 10 (LCA10). Identifiers: Orphanet 65, MedGen C1857821, MONDO:0012723, OMIM 611755.
Joubert syndrome 5 (JBTS5). Identifiers: Orphanet 2318, MedGen C1857780, MONDO:0012432, OMIM 610188.
Bardet-Biedl syndrome 14 (BBS14). Identifiers: Orphanet 110, MedGen C2673874, MONDO:0014442, OMIM 615991.
Meckel syndrome, type 4 (MKS4). Also called: MECKEL-GRUBER SYNDROME, TYPE 4. Identifiers: Orphanet 564, MedGen C1970161, MONDO:0012626, OMIM 611134.
Senior-Loken syndrome 6 (SLSN6). Identifiers: Orphanet 3156, MedGen C1857779, MONDO:0012433, OMIM 610189.

gnomAD v4.1: 2 of 1,526,748 alleles (0.00013%); highest among the groups gnomAD compares: East Asian, 0.0024%; no homozygotes.

Submissions (2):

Fulgent Genetics
Classification: Uncertain significance for Joubert syndrome 5; Senior-Loken syndrome 6; Meckel syndrome, type 4; Leber congenital amaurosis 10; Bardet-Biedl syndrome 14. Last evaluated: 2024-06-17. Review status: criteria provided, single submitter. Criteria: ACMG Guidelines, 2015. Collection method: clinical testing. Allele origin: germline.

PreventionGenetics, part of Exact Sciences
Classification: Uncertain significance for CEP290-related condition. Last evaluated: 2024-07-27. Review status: no assertion criteria provided. Collection method: clinical testing. Allele origin: germline. Not counted in ClinVar's aggregate classification.
Comment: The CEP290 c.2491G>A variant is predicted to result in the amino acid substitution p.Glu831Lys. To our knowledge, this variant has not been reported in the literature or in a large population database, indicating this variant is rare. At this time, the clinical significance of this variant is uncertain due to the absence of conclusive functional and genetic evidence.